The following is an entry in ClinVar:

ClinVar aggregate classification (germline): Uncertain significance (1 of 4 stars; one submission).

Submission:

GeneDx
Classification: Uncertain significance. Last evaluated: 2023-07-26. Review status: criteria provided, single submitter. Criteria: GeneDx Variant Classification Process June 2021. Collection method: clinical testing. Allele origin: germline. Affected: yes.
Comment: Not observed at significant frequency in large population cohorts (gnomAD); In silico analysis supports that this missense variant does not alter protein structure/function; Has not been previously published as pathogenic or benign to our knowledge

NM_173495.3(PTCHD1):c.251A>G (p.Tyr84Cys)

Gene: PTCHD1 (patched domain containing 1; plus strand). Cytogenetic location: Xp22.11.
Variant type: single nucleotide variant.
Coding change: c.251A>G on transcript NM_173495.3 (MANE Select); coding-DNA position 251, A replaced by G.
Protein change: p.Tyr84Cys; replaces tyrosine 84 with cysteine.
Molecular consequence: missense variant.
Genome position (GRCh38, 1-based): chrX:23,335,126, A>G. VCF-style: chrX-23335126-A-G. GRCh37 (hg19) VCF-style: chrX-23353243-A-G.
Other names: short protein forms Y84C.
Identifiers: ClinVar variation 3361318 (VCV003361318.1).